The following is an entry in ClinVar:

ClinVar aggregate classification (germline): Conflicting classifications of pathogenicity. Review status: criteria provided, conflicting classifications (1 of 4 stars). 9 submissions from 9 submitters: Uncertain significance (8); Benign (1). Last evaluated 2025-08-13.

Conditions:
Ataxia-telangiectasia-like disorder (ATLD). Identifiers: MedGen C1858391, MONDO:0011457.
Hereditary cancer-predisposing syndrome. Also called: Neoplastic Syndromes, Hereditary; Hereditary Cancer Syndrome; Tumor predisposition; Hereditary neoplastic syndrome. Identifiers: Orphanet 140162, MedGen C0027672, MeSH D009386, MONDO:0015356.
Ovarian cancer. Also called: OVARIAN CANCER, SOMATIC. Identifiers: Orphanet 213500, MedGen C1140680, MONDO:0008170, OMIM 167000.
Ataxia-telangiectasia-like disorder 1 (ATLD1). Identifiers: Orphanet 251347, MedGen C4012790, MONDO:0024557, OMIM 604391.

Allele frequency attached by ClinVar (database versions not stated): gnomAD 0.00004; gnomAD exomes 0.00007 and 0.00004; TOPMed 0.00006; ExAC 0.00007.
gnomAD v4.1: 60 of 1,613,502 alleles (0.0037%); highest among the groups gnomAD compares: South Asian, 0.027%; no homozygotes.

Submissions (9):

Labcorp Genetics (formerly Invitae), Labcorp
Classification: Uncertain significance for Ataxia-telangiectasia-like disorder. Last evaluated: 2025-08-13. Review status: criteria provided, single submitter. Criteria: Invitae Variant Classification Sherloc (09022015). Collection method: clinical testing. Allele origin: germline.
Comment: This sequence change replaces arginine, which is basic and polar, with histidine, which is basic and polar, at codon 351 of the MRE11 protein (p.Arg351His). This variant is present in population databases (rs587780133, gnomAD 0.02%). This variant has not been reported in the literature in individuals affected with MRE11-related conditions. ClinVar contains an entry for this variant (Variation ID: 127967). An algorithm developed to predict the effect of missense changes on protein structure and function (PolyPhen-2) suggests that this variant is likely to be tolerated. In summary, the available evidence is currently insufficient to determine the role of this variant in disease. Therefore, it has been classified as a Variant of Uncertain Significance.

Dasa
Classification: Uncertain significance. Last evaluated: 2025-07-22. Review status: criteria provided, single submitter. Criteria: DASA Assertion Criteria. Collection method: clinical testing. Allele origin: germline.
Comment: NM_005591.4(MRE11):c.1052G>A (p.Arg351His) is a missense variant that results in the substitution of arginine with histidine. This variant is rare in population databases. Computational prediction algorithms are consistent with a benign effect. The currently available literature and clinical evidence are not sufficient to establish a definitive association between this variant and the reported condition. Therefore, this variant is classified as a variant of uncertain significance.

Quest Diagnostics Nichols Institute San Juan Capistrano
Classification: Uncertain significance. Last evaluated: 2025-01-16. Review status: criteria provided, single submitter. Criteria: Quest Diagnostics criteria. Collection method: clinical testing. Allele origin: unknown.

Fulgent Genetics
Classification: Uncertain significance for Ataxia-telangiectasia-like disorder 1. Last evaluated: 2024-05-21. Review status: criteria provided, single submitter. Criteria: ACMG Guidelines, 2015. Collection method: clinical testing. Allele origin: germline.

Baylor Genetics
Classification: Uncertain significance for Ataxia-telangiectasia-like disorder 1. Last evaluated: 2024-03-21. Review status: criteria provided, single submitter. Criteria: ACMG Guidelines, 2015. Collection method: clinical testing. Allele origin: unknown.

Ambry Genetics
Classification: Uncertain significance for Hereditary cancer-predisposing syndrome. Last evaluated: 2023-09-14. Review status: criteria provided, single submitter. Criteria: Ambry Variant Classification Scheme 2023. Collection method: clinical testing. Allele origin: germline.
Comment: The p.R351H variant (also known as c.1052G>A), located in coding exon 9 of the MRE11A gene, results from a G to A substitution at nucleotide position 1052. The arginine at codon 351 is replaced by histidine, an amino acid with highly similar properties. This amino acid position is highly conserved in available vertebrate species. In addition, the in silico prediction for this alteration is inconclusive. Since supporting evidence is limited at this time, the clinical significance of this alteration remains unclear.

Laboratory of Molecular Epidemiology of Birth Defects, West China Second University Hospital, Sichuan University
Classification: Benign for Ovarian cancer. Last evaluated: 2022-01-01. Review status: criteria provided, single submitter. Criteria: ACMG Guidelines, 2015. Collection method: clinical testing. Allele origin: germline. Affected: yes.

Women's Health and Genetics/Laboratory Corporation of America, LabCorp
Classification: Uncertain significance. Last evaluated: 2019-02-01. Review status: criteria provided, single submitter. Criteria: LabCorp Variant Classification Summary - May 2015. Collection method: clinical testing. Allele origin: germline.
Comment: Variant summary: The variant, MRE11 c.1052G>A (p.Arg351His) results in a non-conservative amino acid change located in the Mre11, DNA-binding domain of the encoded protein sequence. Three of five in-silico tools predict a benign effect of the variant on protein function. The variant allele was found at a frequency of 6.9e-05 in 277162 control chromosomes, predominantly at a frequency of 0.00031 within the 'Other' subpopulation in the gnomAD database. The available data on variant occurrences in the general population are insufficient to allow any conclusion about variant significance. To our knowledge, no occurrence of c.1052G>A in individuals affected with Hereditary Breast and Ovarian Cancer and no experimental evidence demonstrating its impact on protein function have been reported. Two clinical diagnostic laboratories have submitted clinical-significance assessments for this variant to ClinVar after 2014 without evidence for independent evaluation and have classified the variant as uncertain significance. Based on the evidence outlined above, the variant was classified as uncertain significance.

GeneDx
Classification: Uncertain significance. Last evaluated: 2014-02-20. Review status: criteria provided, single submitter. Criteria: GeneDx Variant Classification (06012015). Collection method: clinical testing. Allele origin: germline. Affected: yes.
Comment: MRE11A has been only recently described in association with cancer predisposition and the risks are not well understood. This variant is denoted MRE11A c.1052G>A at the cDNA level, p.Arg351His (R351H) at the protein level, and results in the change of an Arginine to a Histidine (CGT>CAT). This variant has not, to our knowledge, been published in the literature as pathogenic or benign. MRE11A Arg351His was not observed in approximately 6,500 individuals of European and African American ancestry in the NHLBI Exome Sequencing Project, indicating it is not a common benign variant in these populations. This variant is a conservative substitution of one positive polar amino acid for another, altering a position that is well conserved throughout evolution and is not located in a known functional domain. In silico analyses are inconsistent with regard to the effect this variant may have on protein structure and function. At a molecular level, the impact of this missense variant on protein structure and function is not known and thus we consider this to be a variant of uncertain significance. Furthermore, based on the currently available information, cancer risks associated with this variant, and the MRE11A gene, remain unclear.

NM_005591.4(MRE11):c.1052G>A (p.Arg351His)

Gene: MRE11 (MRE11 double strand break repair nuclease; minus strand). Cytogenetic location: 11q21.
Variant type: single nucleotide variant.
Coding change: c.1052G>A on transcript NM_005591.4 (MANE Select); coding-DNA position 1052, G replaced by A.
Protein change: p.Arg351His; replaces arginine 351 with histidine.
Molecular consequence: missense variant.
Genome position (GRCh38, 1-based): chr11:94,467,859, C>T on the plus strand (G>A on the coding strand, the complement: MRE11 is on the minus strand). VCF-style: chr11-94467859-C-T. GRCh37 (hg19) VCF-style: chr11-94201025-C-T.
Other names: p.R351H:CGT>CAT; c.1052G>A (NM_005590.3); c.1052G>A, p.Arg351His (NM_001330347.2, NM_005590.4); short protein forms R351H.
Identifiers: ClinVar variation 127967 (VCV000127967.21), dbSNP rs587780133, ClinGen allele CA288155.